The following is an entry in ClinVar:

ClinVar aggregate classification (germline): Pathogenic/Likely pathogenic. Review status: criteria provided, multiple submitters, no conflicts (2 of 4 stars). 10 submissions from 10 submitters: Pathogenic (5); Likely pathogenic (5). Last evaluated 2026-09-08.

Conditions:
Cardiovascular phenotype. Identifiers: MedGen CN230736.
Cardiomyopathy (CMYO). Also called: Cardiomyopathies. Identifiers: Orphanet 167848, MedGen C0878544, MONDO:0004994, HP:0001638. Inheritance: Various modes of inheritance.
Fabry disease. Also called: GLA DEFICIENCY; HEREDITARY DYSTOPIC LIPIDOSIS; Angiokeratoma corporis diffusum; Fabry's disease; ALPHA-GALACTOSIDASE A DEFICIENCY; ANDERSON-FABRY DISEASE. Identifiers: Orphanet 324, MedGen C0002986, MONDO:0010526, OMIM 301500, HP:0001071. Disease mechanism: Fabry disease is due to inactivating mutations in the X-linked GLA gene resulting in deficiency of the enzyme Alpha Galactosidase-A., loss of function.
Hypertrophic cardiomyopathy. Also called: HYPERTROPHIC MYOCARDIOPATHY. Identifiers: Orphanet 217569, MedGen C0007194, MeSH D002312, MONDO:0005045, HP:0001639.

Submissions (10):

Genomenon, Inc
Classification: Likely pathogenic for Fabry disease. Last evaluated: 2026-09-08. Review status: criteria provided, single submitter. Criteria: Genomenon Sequence Variant Interpretation Standards - Updated. Collection method: curation. Allele origin: germline. Affected: yes.
Comment: GLA p.Pro205Thr (c.613C>A) is a missense variant that changes the amino acid at codon 205 from Proline to Threonine. This variant has been observed in at least one proband with clinical features consistent with Fabry disease (PMID:17160618;29853467;29661900;27657681;8807334;26252393;30972193;20691627;32198894;38002959). The variant was found to segregate with disease in at least one affected family (PMID:38002959). Functional or patient cell studies have been reported (PMID:18205205;24386359;32023956;21598360;30723321;23474038). This variant is located in a mutational hotspot and/or important functional domain. It is absent or not present at a significant frequency in gnomAD. In silico models predict that this variant is possibly or probably damaging. In conclusion, we classify GLA p.Pro205Thr (c.613C>A) as a likely pathogenic variant.

North West Genomic Laboratory Hub, Manchester University NHS Foundation Trust
Classification: Pathogenic for Hypertrophic cardiomyopathy. Last evaluated: 2025-07-15. Review status: criteria provided, single submitter. Criteria: ACGS Best Practice Guidelines for Variant Classification in Rare Disease 2024. Collection method: clinical testing. Allele origin: germline. Affected: yes.
Comment: PS3_Supp PP3_Supp PM2_Mod PP4_Str PS4_Mod PM5_Mod

Labcorp Genetics (formerly Invitae), Labcorp
Classification: Pathogenic for Fabry disease. Last evaluated: 2023-12-11. Review status: criteria provided, single submitter. Criteria: Invitae Variant Classification Sherloc (09022015). Collection method: clinical testing. Allele origin: germline.
Comment: This sequence change replaces proline, which is neutral and non-polar, with threonine, which is neutral and polar, at codon 205 of the GLA protein (p.Pro205Thr). This variant is not present in population databases (gnomAD no frequency). This missense change has been observed in individual(s) with clinical feature of Fabry disease (PMID: 8875188, 15776423, 18205205, 25611685, 27532257, 32150461). ClinVar contains an entry for this variant (Variation ID: 42456). Advanced modeling of protein sequence and biophysical properties (such as structural, functional, and spatial information, amino acid conservation, physicochemical variation, residue mobility, and thermodynamic stability) performed at Invitae indicates that this missense variant is expected to disrupt GLA protein function with a positive predictive value of 80%. Experimental studies have shown that this missense change affects GLA function (PMID: 18205205, 21598360). This variant disrupts the p.Pro205 amino acid residue in GLA. Other variant(s) that disrupt this residue have been observed in individuals with GLA-related conditions (PMID: 8807334, 12175777, 15776423, 28728877), which suggests that this may be a clinically significant amino acid residue. For these reasons, this variant has been classified as Pathogenic.

Revvity Omics, Revvity
Classification: Pathogenic. Last evaluated: 2022-05-31. Review status: criteria provided, single submitter. Criteria: ACMG Guidelines, 2015. Collection method: clinical testing. Allele origin: germline.

Genome-Nilou Lab
Classification: Likely pathogenic for Fabry disease. Last evaluated: 2021-07-15. Review status: criteria provided, single submitter. Criteria: ACMG Guidelines, 2015. Collection method: clinical testing. Allele origin: germline. Affected: no.

Ambry Genetics
Classification: Likely pathogenic for Cardiovascular phenotype. Last evaluated: 2019-10-23. Review status: criteria provided, single submitter. Criteria: Ambry Variant Classification Scheme 2023. Collection method: clinical testing. Allele origin: germline.
Comment: The p.P205T variant (also known as c.613C>A), located in coding exon 4 of the GLA gene, results from a C to A substitution at nucleotide position 613. The proline at codon 205 is replaced by threonine, an amino acid with highly similar properties. This alteration has been detected in two individuals with Fabry disease; however, specific phenotypic information, including alpha-galactosidase A (&alpha;-Gal A) enzymatic levels, were not provided (Blanch LC et al. Hum. Mutat., 1996;8:38-43; Shimotori M et al. Hum. Mutat., 2008 Feb;29:331). In addition, this alteration has been detected in individuals with hypertrophic and dilated cardiomyopathies (Alfares AA et al. Genet. Med., 2015 Nov;17:880-8; Walsh R et al. Genet. Med., 2017 02;19:192-203). Functional studies showed that this alteration is associated with 18% &alpha;-Gal A enzyome activity compared to wild type (Wu X et al. Hum. Mutat., 2011 Aug;32:965-77). A different alteration located at the same position, p.P205S, has been detected in two individuals with Fabry disease (Pan X et al. PLoS ONE, 2016 Aug;11:e0161330; Nowak A et al. Mol. Genet. Metab., 2018 02;123:148-153). The p.P205T acid position is highly conserved in available vertebrate species. In addition, this alteration is predicted to be deleterious by in silico analysis. Based on the majority of available evidence to date, this variant is likely to be pathogenic.

Eurofins Ntd Llc (ga)
Classification: Pathogenic. Last evaluated: 2017-09-27. Review status: criteria provided, single submitter. Criteria: EGL Classification Definitions 2015. Collection method: clinical testing. Allele origin: germline. Observed: 4 variant alleles, 3 heterozygotes, 1 hemizygote.

CHEO Genetics Diagnostic Laboratory, Children's Hospital of Eastern Ontario
Classification: Likely pathogenic for Cardiomyopathy. Last evaluated: 2017-05-08. Review status: criteria provided, single submitter. Criteria: ACMG Guidelines, 2015. Collection method: clinical testing. Allele origin: germline. Study: Canadian Open Genetics Repository.

Laboratory for Molecular Medicine, Mass General Brigham Personalized Medicine
Classification: Likely pathogenic for Fabry disease. Last evaluated: 2016-06-07. Review status: criteria provided, single submitter. Criteria: LMM Criteria. Collection method: clinical testing. Allele origin: germline. Inheritance: X-linked inheritance. Observed: 3 variant alleles.
Comment: The p.Pro205Thr variant in GLA has been reported in at least 4 individuals with Fabry disease and/or LVH (Blanch 1996, Davies 1996, Schafer 2005, Shimotori 2008 ) and has been identified by our laboratory in 1 family with HCM, segregating wi th one affected relative. It was absent from large population studies. In vitro assays showed the p.Pro205Thr variant was associated with decreased alpha-Gal ac tivity (~18% of normal enzyme activity), and that enzymatic levels increased aft er treatment with an experimental chaperone (Shimotori 2008, Wu 2011). However, these in vitro assays may not accurately represent biological function. In summa ry, this variant is likely to be pathogenic, though additional studies are requi red to fully establish its clinical significance.

Juno Genomics, Hangzhou Juno Genomics, Inc
Classification: Pathogenic for Fabry disease. Review status: criteria provided, single submitter. Criteria: ACMG Guidelines, 2015. Collection method: clinical testing. Allele origin: germline. Affected: yes.
Comment: Absent from controls (or at extremely low frequency if recessive) in Genome Aggregation Database, Exome Sequencing Project, 1000 Genomes Project, or Exome Aggregation Consortium.;Novel missense change at an amino acid residue where a different missense change determined to be pathogenic has been seen before.;Well-established in vitro or in vivo functional studies supportive of a damaging effect on the gene or gene product.;The prevalence of the variant in affected individuals is significantly increased compared to the prevalence in controls.;Patient's phenotype or family history is highly specific for a disease with a single genetic etiology.

Literature cited by the submitters: PubMed 17160618 (cited by Genomenon, Inc); PubMed 29853467 (cited by Genomenon, Inc); PubMed 29661900 (cited by Genomenon, Inc); PubMed 27657681 (cited by Genomenon, Inc); PubMed 8807334 (cited by 5 submitters); PubMed 26252393 (cited by Genomenon, Inc and Laboratory for Molecular Medicine, Mass General Brigham Personalized Medicine); PubMed 30972193 (cited by Genomenon, Inc); PubMed 20691627 (cited by Genomenon, Inc); PubMed 32198894 (cited by Genomenon, Inc); PubMed 38002959 (cited by Genomenon, Inc); PubMed 18205205 (cited by 5 submitters); PubMed 24386359 (cited by 3 submitters); PubMed 32023956 (cited by Genomenon, Inc); PubMed 21598360 (cited by 5 submitters); PubMed 30723321 (cited by Genomenon, Inc); PubMed 23474038 (cited by Genomenon, Inc); PubMed 8875188 (cited by Labcorp Genetics (formerly Invitae), Labcorp and Laboratory for Molecular Medicine, Mass General Brigham Personalized Medicine); PubMed 15776423 (cited by 4 submitters); PubMed 25611685 (cited by Labcorp Genetics (formerly Invitae), Labcorp and Ambry Genetics); PubMed 27532257 (cited by 3 submitters); PubMed 32150461 (cited by Labcorp Genetics (formerly Invitae), Labcorp); PubMed 12175777 (cited by Labcorp Genetics (formerly Invitae), Labcorp); PubMed 28728877 (cited by Labcorp Genetics (formerly Invitae), Labcorp); PubMed 25382311 (cited by Ambry Genetics).

NM_000169.3(GLA):c.613C>A (p.Pro205Thr)

Genes: GLA (galactosidase alpha; minus strand), RPL36A-HNRNPH2 (RPL36A-HNRNPH2 readthrough; plus strand). Cytogenetic location: Xq22.1.
Variant type: single nucleotide variant.
Coding change: c.613C>A on transcript NM_000169.3 (MANE Select); coding-DNA position 613, C replaced by A.
Protein change: p.Pro205Thr; replaces proline 205 with threonine.
Molecular consequence: missense variant. On other transcripts: non-coding transcript variant (2), intron variant (2).
Genome position (GRCh38, 1-based): chrX:101,400,692, G>T on the plus strand (C>A on the coding strand, the complement: GLA is on the minus strand). VCF-style: chrX-101400692-G-T. GRCh37 (hg19) VCF-style: chrX-100655680-G-T.
Other names: c.736C>A, p.Pro246Thr (NM_001406747.1); c.613C>A, p.Pro205Thr (NM_001406748.1); c.300+5235G>T (NM_001199973.2); c.177+8870G>T (NM_001199974.2); short protein forms P205T, P246T.
Identifiers: ClinVar variation 42456 (VCV000042456.24), dbSNP rs397515870, ClinGen allele CA021827.
Genomic context (GRCh38, chrX:101,400,692, plus strand): 5'-ACAGTTCTATTGGATTCTGGGCTCACTATCTCACCTTTTGAAAGGGCCACATATAAAGAG[G>T]CCACTCACAGGAGTACACAATGCTTCTGCCAGTCCTATTCAGGGCCAAGGACATGTGCTT-3'
Protein context (NP_000160.1, residues 195-215): GRSIVYSCEW[Pro205Thr]LYMWPFQKPN